The following is an entry in ClinVar:

NM_000541.5(SAG):c.1047-13T>C

Gene: SAG (S-antigen visual arrestin; plus strand). Cytogenetic location: 2q37.1.
Variant type: single nucleotide variant.
Coding change: c.1047-13T>C on transcript NM_000541.5 (MANE Select); 13 bases into the intron before coding-DNA position 1047, T replaced by C.
Molecular consequence: intron variant.
Genome position (GRCh38, 1-based): chr2:233,342,258, T>C. VCF-style: chr2-233342258-T-C. GRCh37 (hg19) VCF-style: chr2-234250904-T-C.
Identifiers: ClinVar variation 335072 (VCV000335072.14), dbSNP rs73995909, ClinGen allele CA2174659.

ClinVar aggregate classification (germline): Benign. Review status: criteria provided, multiple submitters, no conflicts (2 of 4 stars). 4 submissions from 3 submitters: Benign (4). Last evaluated 2026-02-02.

Conditions:
Retinitis pigmentosa (RP). Identifiers: Orphanet 791, MedGen C0035334, MeSH D012174, MONDO:0019200, OMIM 268000. Inheritance: Autosomal dominant, autosomal recessive and X linked inheritance.
Oguchi disease. Also called: Oguchi's disease. Identifiers: Orphanet 75382, MedGen C1306122, MONDO:0019152.

Allele frequency attached by ClinVar (database versions not stated): gnomAD exomes 0.00371 and 0.00899; ExAC 0.02019; gnomAD 0.03426 and 0.03685; ESP Exome Variant Server 0.03563; 1000 Genomes Project 0.03834; TOPMed 0.03839; 1000 Genomes Project 30x 0.03982.
gnomAD v4.1: 10,826 of 1,596,480 alleles (0.68%); highest among the groups gnomAD compares: African/African-American, 12%; 569 homozygotes.

Submissions (4):

Labcorp Genetics (formerly Invitae), Labcorp
Classification: Benign. Last evaluated: 2026-02-02. Review status: criteria provided, single submitter. Criteria: Invitae Variant Classification Sherloc (09022015). Collection method: clinical testing. Allele origin: germline.

Illumina Laboratory Services, Illumina
Classification: Benign for Oguchi disease-1. Last evaluated: 2018-01-12. Review status: criteria provided, single submitter. Criteria: ICSL Variant Classification Criteria 13 December 2019. Collection method: clinical testing. Allele origin: germline.
Comment: This variant was observed in the ICSL laboratory as part of a predisposition screen in an ostensibly healthy population. It had not been previously curated by ICSL or reported in the Human Gene Mutation Database (HGMD: prior to June 1st, 2018), and was therefore a candidate for classification through an automated scoring system. Utilizing variant allele frequency, disease prevalence and penetrance estimates, and inheritance mode, an automated score was calculated to assess if this variant is too frequent to cause the disease. Based on the score and internal cut-off values, a variant classified as benign is not then subjected to further curation. The score for this variant resulted in a classification of benign for this disease.

Illumina Laboratory Services, Illumina
Classification: Benign for Retinitis pigmentosa. Last evaluated: 2018-01-12. Review status: criteria provided, single submitter. Criteria: ICSL Variant Classification Criteria 13 December 2019. Collection method: clinical testing. Allele origin: germline.
Comment: the same text as in the submission from Illumina Laboratory Services, Illumina above.

Breakthrough Genomics
Classification: Benign. Review status: criteria provided, single submitter. Criteria: ACMG Guidelines, 2015. Collection method: not provided. Allele origin: germline. Inheritance: Autosomal recessive inheritance. Affected: yes.